The following is an entry in ClinVar:

ClinVar aggregate classification (germline): Conflicting classifications of pathogenicity. Review status: criteria provided, conflicting classifications (1 of 4 stars). 9 submissions from 9 submitters: Pathogenic (4); Likely pathogenic (3); Uncertain significance (1). 1 of the submissions does not count toward it. Last evaluated 2025-08-05.

Conditions:
CFTR-related disorder (CFTR-RD). Also called: CFTR-related disorders; CFTR-related condition. Identifiers: MedGen C5924204, MONDO:7770004.
Congenital bilateral aplasia of vas deferens from CFTR mutation (CBAVD). Identifiers: Orphanet 48, MedGen C0403814, MONDO:0010178, OMIM 277180. Disease mechanism: loss of function.
Cystic fibrosis (CF). Also called: MUCOVISCIDOSIS. Identifiers: Orphanet 586, MedGen C0010674, MONDO:0009061, OMIM 219700. Disease mechanism: loss of function.
Hereditary pancreatitis (PCTT). Also called: PRSS1-Related Hereditary Pancreatitis; Hereditary chronic pancreatitis. Identifiers: Orphanet 676, MedGen C0238339, MONDO:0008185, OMIM 167800.
Bronchiectasis with or without elevated sweat chloride 1 (BESC1). Also called: Cystic Fibrosis-Like Syndrome. Identifiers: Orphanet 60033, MedGen C2749757, MONDO:0008887, OMIM 211400.
Fetal cystic hygroma (FCH). Also called: NUCHAL BLEB, FAMILIAL. Identifiers: Orphanet 79486, MedGen C0948242, OMIM 257350, HP:0010878.

Allele frequency attached by ClinVar (database versions not stated): gnomAD exomes below 0.00001; gnomAD 0.00001; TOPMed 0.00001.
gnomAD v4.1: 5 of 1,534,630 alleles (0.00033%); highest among the groups gnomAD compares: Middle Eastern, 0.017%; no homozygotes.

Submissions (9):

Natera, Inc.
Classification: Pathogenic for CFTR-related disorders. Last evaluated: 2025-08-05. Review status: criteria provided, single submitter. Criteria: Natera Variant Classification Schema (03/2026). Collection method: clinical testing. Allele origin: germline.
Comment: The c.2490+2T>C variant in CFTR is a canonical splice donor site variant predicted to affect pre-mRNA splicing, which may result in an abnormal transcript and altered protein product. This variant is expected to result in nonsense mediated decay, truncation, or a dysfunctional protein product. This variant is rare in the general population with a frequency below the threshold expected for the associated phenotype(s). Another variant at this same site results in an alteration predicted to cause a similar molecular effect has been observed in individual(s) with the associated phenotype. Given the available evidence, this variant is classified as Pathogenic.

Women's Health and Genetics/Laboratory Corporation of America, LabCorp
Classification: Likely pathogenic for Cystic fibrosis. Last evaluated: 2024-12-30. Review status: criteria provided, single submitter. Criteria: LabCorp Variant Classification Summary - May 2015. Collection method: clinical testing. Allele origin: germline.
Comment: Variant summary: CFTR c.2490+2T>C is located in a canonical splice-site and is predicted to affect mRNA splicing resulting in a significantly altered protein due to either exon skipping, shortening, or inclusion of intronic material. Variants that disrupt the consensus splice site are a relatively common cause of aberrant splicing and loss of CFTR function. Several computational tools predict a significant impact on normal splicing: Three predict the variant abolishes a canonical 5' splicing donor site. Three predict the variant creates or strengthens a cryptic 5' donor site. However, these predictions have yet to be confirmed by functional studies. The variant was absent in 188996 control chromosomes (gnomAD). To our knowledge, no occurrence of c.2490+2T>C in individuals affected with Cystic Fibrosis and no experimental evidence demonstrating its impact on protein function have been reported. The following publications have been ascertained in the context of this evaluation (PMID: 29879995, 32357917, 31036917). ClinVar contains an entry for this variant (Variation ID: 370078). Based on the evidence outlined above, the variant was classified as likely pathogenic.

Ambry Genetics
Classification: Uncertain significance for Cystic fibrosis. Last evaluated: 2024-06-21. Review status: criteria provided, single submitter. Criteria: Ambry Variant Classification Scheme 2023. Collection method: clinical testing. Allele origin: germline.
Comment: The c.2490+2T>C intronic variant results from a T to C substitution two nucleotides after coding exon 14 in the CFTR gene. Approximately 1% of human splice donor sites have cytosine at the +2 position, and the G>C substitution at this position may not result in aberrant splicing (Sibley CR et al. Nat Rev Genet, 2016 07;17:407-421; Lin JH et al. Hum Mutat, 2019 10;40:1856-1873). This nucleotide position is highly conserved in available vertebrate species. In silico splice site analysis predicts that this alteration may weaken the native splice donor site and will result in the creation or strengthening of a novel splice donor site. Since supporting evidence is limited at this time, the clinical significance of this alteration remains unclear.

Fulgent Genetics
Classification: Likely pathogenic for Hereditary pancreatitis; Bronchiectasis with or without elevated sweat chloride 1; Cystic fibrosis; Congenital bilateral aplasia of vas deferens from CFTR mutation. Last evaluated: 2024-03-19. Review status: criteria provided, single submitter. Criteria: ACMG Guidelines, 2015. Collection method: clinical testing. Allele origin: germline.

Baylor Genetics
Classification: Pathogenic for Bronchiectasis with or without elevated sweat chloride 1. Last evaluated: 2023-12-23. Review status: criteria provided, single submitter. Criteria: ACMG Guidelines, 2015. Collection method: clinical testing. Allele origin: unknown.

Blueprint Genetics
Classification: Likely pathogenic for CFTR-related disorders. Last evaluated: 2023-02-08. Review status: criteria provided, single submitter. Criteria: ACMG Guidelines, 2015. Collection method: clinical testing. Allele origin: germline. Affected: yes. Observed: 2 variant alleles.

Labcorp Genetics (formerly Invitae), Labcorp
Classification: Pathogenic for Cystic fibrosis. Last evaluated: 2021-10-02. Review status: criteria provided, single submitter. Criteria: Invitae Variant Classification Sherloc (09022015). Collection method: clinical testing. Allele origin: germline.
Comment: For these reasons, this variant has been classified as Pathogenic. Algorithms developed to predict the effect of sequence changes on RNA splicing suggest that this variant may disrupt the consensus splice site, but this prediction has not been confirmed by published transcriptional studies. Disruption of this splice site has been observed in individual(s) with cystic fibrosis (PMID: 7683952, 23974870, 20059485, 12815607, 9239681). ClinVar contains an entry for this variant (Variation ID: 370078). This variant is not present in population databases (ExAC no frequency). This sequence change affects a donor splice site in intron 14 of the CFTR gene. It is expected to disrupt RNA splicing. Variants that disrupt the donor or acceptor splice site typically lead to a loss of protein function (PMID: 16199547), and loss-of-function variants in CFTR are known to be pathogenic (PMID: 1695717, 7691345, 9725922).

Equipe Genetique des Anomalies du Developpement, Université de Bourgogne
Classification: Pathogenic for Fetal cystic hygroma. Review status: criteria provided, single submitter. Criteria: ACMG Guidelines, 2015. Collection method: clinical testing. Allele origin: inherited. Affected: yes.

Counsyl
Classification: Likely pathogenic for Cystic fibrosis. Last evaluated: 2016-02-19. Review status: no assertion criteria provided. Collection method: clinical testing. Allele origin: unknown. Not counted in ClinVar's aggregate classification.

Literature cited by the submitters: PubMed 29879995 (cited by Women's Health and Genetics/Laboratory Corporation of America, LabCorp); PubMed 32357917 (cited by Women's Health and Genetics/Laboratory Corporation of America, LabCorp); PubMed 31036917 (cited by Women's Health and Genetics/Laboratory Corporation of America, LabCorp); PubMed 27240813 (cited by Ambry Genetics); PubMed 31131953 (cited by Ambry Genetics); PubMed 7683952 (cited by Labcorp Genetics (formerly Invitae), Labcorp); PubMed 23974870 (cited by Labcorp Genetics (formerly Invitae), Labcorp); PubMed 20059485 (cited by Labcorp Genetics (formerly Invitae), Labcorp); PubMed 12815607 (cited by Labcorp Genetics (formerly Invitae), Labcorp); PubMed 9239681 (cited by Labcorp Genetics (formerly Invitae), Labcorp); PubMed 16199547 (cited by Labcorp Genetics (formerly Invitae), Labcorp); PubMed 1695717 (cited by Labcorp Genetics (formerly Invitae), Labcorp); PubMed 7691345 (cited by Labcorp Genetics (formerly Invitae), Labcorp); PubMed 9725922 (cited by Labcorp Genetics (formerly Invitae), Labcorp).

NM_000492.4(CFTR):c.2490+2T>C

Gene: CFTR (CF transmembrane conductance regulator; plus strand). Cytogenetic location: 7q31.2.
Variant type: single nucleotide variant.
Coding change: c.2490+2T>C on transcript NM_000492.4 (MANE Select); the canonical splice donor site of the intron after coding-DNA position 2490, T replaced by C.
Molecular consequence: splice donor variant.
Genome position (GRCh38, 1-based): chr7:117,592,659, T>C. VCF-style: chr7-117592659-T-C. GRCh37 (hg19) VCF-style: chr7-117232713-T-C.
Other names: c.2490+2T>C (LRG_663t1).
Identifiers: ClinVar variation 370078 (VCV000370078.26), dbSNP rs1057516216, ClinGen allele CA16041132.